The following is an entry in ClinVar:

NM_006019.4(TCIRG1):c.418C>T (p.Leu140=)

Gene: TCIRG1 (T cell immune regulator 1, ATPase H+ transporting V0 subunit a3; plus strand). Cytogenetic location: 11q13.2.
Variant type: single nucleotide variant.
Coding change: c.418C>T on transcript NM_006019.4 (MANE Select); coding-DNA position 418, C replaced by T.
Protein change: p.Leu140=; no amino-acid change (leucine 140 retained).
Molecular consequence: synonymous variant. On other transcripts: 5 prime UTR variant (1), intron variant (6).
Genome position (GRCh38, 1-based): chr11:68,042,946, C>T. VCF-style: chr11-68042946-C-T. GRCh37 (hg19) VCF-style: chr11-67810413-C-T.
Other names: c.-832C>T (NM_001351059.2); c.418C>T, p.Leu140= (NM_001440552.1, NM_001440553.1, NM_001440554.1 and 5 more transcripts); c.376C>T, p.Leu126= (NM_001440555.1, NM_001440556.1, NM_001440563.1); c.118C>T, p.Leu40= (NM_001440565.1); c.417+83C>T (NM_001440561.1, NM_001440566.1, NM_001440562.1 and 1 more transcripts); c.375+83C>T (NM_001440564.1, NM_001440568.1).
Identifiers: ClinVar variation 4692267 (VCV004692267.1).

ClinVar aggregate classification (germline): Uncertain significance (1 of 4 stars; one submission).

Submission:

Labcorp Genetics (formerly Invitae), Labcorp
Classification: Uncertain significance. Last evaluated: 2025-10-17. Review status: criteria provided, single submitter. Criteria: Invitae Variant Classification Sherloc (09022015). Collection method: clinical testing. Allele origin: germline.
Comment: This sequence change affects codon 140 of the TCIRG1 mRNA. It is a 'silent' change, meaning that it does not change the encoded amino acid sequence of the TCIRG1 protein. It affects a nucleotide within the consensus splice site. This variant is not present in population databases (gnomAD no frequency). This variant has not been reported in the literature in individuals affected with TCIRG1-related conditions. Algorithms developed to predict the effect of sequence changes on RNA splicing suggest that this variant is not likely to affect RNA splicing. In summary, the available evidence is currently insufficient to determine the role of this variant in disease. Therefore, it has been classified as a Variant of Uncertain Significance.